The following is an entry in ClinVar:

NM_000393.5(COL5A2):c.1252C>T (p.Leu418Phe)

Gene: COL5A2 (collagen type V alpha 2 chain; minus strand). Cytogenetic location: 2q32.2.
Variant type: single nucleotide variant.
Coding change: c.1252C>T on transcript NM_000393.5 (MANE Select); coding-DNA position 1252, C replaced by T.
Protein change: p.Leu418Phe; replaces leucine 418 with phenylalanine.
Molecular consequence: missense variant.
Genome position (GRCh38, 1-based): chr2:189,068,791, G>A on the plus strand (C>T on the coding strand, the complement: COL5A2 is on the minus strand). VCF-style: chr2-189068791-G-A. GRCh37 (hg19) VCF-style: chr2-189933517-G-A.
Other names: short protein forms L418F.
Identifiers: ClinVar variation 4740609 (VCV004740609.1).

ClinVar aggregate classification (germline): Uncertain significance (1 of 4 stars; one submission).

Conditions:
Ehlers-Danlos syndrome, classic type, 1 (EDSCL1). Also called: EHLERS-DANLOS SYNDROME, GRAVIS TYPE; EHLERS-DANLOS SYNDROME, SEVERE CLASSIC TYPE; Ehlers-Danlos syndrome, type 1; Ehlers-Danlos Syndrome, Classic Type, COL5A1-Related; EDS I. Identifiers: MedGen C0268335, MONDO:0019567, OMIM 130000.

gnomAD v4.1: 1 of 1,610,896 alleles (0.000062%); highest among the groups gnomAD compares: Non-Finnish European, 0.000085%; no homozygotes.

Submission:

Labcorp Genetics (formerly Invitae), Labcorp
Classification: Uncertain significance for Ehlers-Danlos syndrome, classic type, 1. Last evaluated: 2025-07-09. Review status: criteria provided, single submitter. Criteria: Invitae Variant Classification Sherloc (09022015). Collection method: clinical testing. Allele origin: germline.
Comment: This sequence change replaces leucine, which is neutral and non-polar, with phenylalanine, which is neutral and non-polar, at codon 418 of the COL5A2 protein (p.Leu418Phe). This variant is not present in population databases (gnomAD no frequency). This variant has not been reported in the literature in individuals affected with COL5A2-related conditions. Invitae Evidence Modeling of protein sequence and biophysical properties (such as structural, functional, and spatial information, amino acid conservation, physicochemical variation, residue mobility, and thermodynamic stability) indicates that this missense variant is not expected to disrupt COL5A2 protein function with a negative predictive value of 80%. In summary, the available evidence is currently insufficient to determine the role of this variant in disease. Therefore, it has been classified as a Variant of Uncertain Significance.